The following is an entry in ClinVar:

ClinVar aggregate classification (germline): Uncertain significance (1 of 4 stars; one submission).

Submission:

Labcorp Genetics (formerly Invitae), Labcorp
Classification: Uncertain significance. Last evaluated: 2024-05-20. Review status: criteria provided, single submitter. Criteria: Invitae Variant Classification Sherloc (09022015). Collection method: clinical testing. Allele origin: germline.
Comment: This sequence change replaces glycine, which is neutral and non-polar, with alanine, which is neutral and non-polar, at codon 8 of the TOPORS protein (p.Gly8Ala). This variant is not present in population databases (gnomAD no frequency). This missense change has been observed in individual(s) with clinical features of TOPORS-related conditions (PMID: 26747767, 35579903). ClinVar contains an entry for this variant (Variation ID: 2136751). Algorithms developed to predict the effect of missense changes on protein structure and function output the following: SIFT: "Not Available"; PolyPhen-2: "Possibly Damaging"; Align-GVGD: "Not Available". The alanine amino acid residue is found in multiple mammalian species, which suggests that this missense change does not adversely affect protein function. In summary, the available evidence is currently insufficient to determine the role of this variant in disease. Therefore, it has been classified as a Variant of Uncertain Significance.

Literature cited by the submitters: PubMed 26747767; PubMed 35579903.

NM_005802.5(TOPORS):c.23G>C (p.Gly8Ala)

Gene: TOPORS (TOP1 binding arginine/serine rich protein, E3 ubiquitin ligase; minus strand). Cytogenetic location: 9p21.1.
Variant type: single nucleotide variant.
Coding change: c.23G>C on transcript NM_005802.5 (MANE Select); coding-DNA position 23, G replaced by C.
Protein change: p.Gly8Ala; replaces glycine 8 with alanine.
Molecular consequence: missense variant. On other transcripts: intron variant (1).
Genome position (GRCh38, 1-based): chr9:32,550,949, C>G on the plus strand (G>C on the coding strand, the complement: TOPORS is on the minus strand). VCF-style: chr9-32550949-C-G. GRCh37 (hg19) VCF-style: chr9-32550947-C-G.
Other names: c.3+1485G>C (NM_001195622.2); short protein forms G8A.
Identifiers: ClinVar variation 2136751 (VCV002136751.4), dbSNP rs903667879, ClinGen allele CA373173851.